The following is an entry in ClinVar:

GRCh37/hg19 15q25.2-25.3(chr15:85147499-85681120)

Genes: ALPK3 (alpha kinase 3; plus strand), NMB (neuromedin B; minus strand), PDE8A (phosphodiesterase 8A; plus strand), SEC11A (SEC11 homolog A, signal peptidase complex subunit; minus strand), SLC28A1 (solute carrier family 28 member 1; plus strand) and 3 more. Cytogenetic location: 15q25.2-25.3.
Variant type: copy number loss.
Identifiers: ClinVar variation 625752 (VCV000625752.1).

ClinVar aggregate classification (germline): Likely pathogenic (1 of 4 stars; one submission).

Submission:

Baylor Genetics
Classification: Likely pathogenic. Last evaluated: 2018-11-01. Review status: criteria provided, single submitter. Criteria: ACMG CNV Guidelines, 2011. Collection method: clinical testing. Allele origin: germline. Affected: yes. Observed: 1 variant allele.
Comment: Deletions involving this region have been previously reported in patients with developmental delay, autism or schizophrenia [PMID:19166990,21841781,23239641]